The following is an entry in ClinVar:

NM_001999.4(FBN2):c.3534G>C (p.Glu1178Asp)

Gene: FBN2 (fibrillin 2; minus strand). Cytogenetic location: 5q23.3.
Variant type: single nucleotide variant.
Coding change: c.3534G>C on transcript NM_001999.4 (MANE Select); coding-DNA position 3534, G replaced by C.
Protein change: p.Glu1178Asp; replaces glutamic acid 1178 with aspartic acid.
Molecular consequence: missense variant.
Genome position (GRCh38, 1-based): chr5:128,338,061, C>G on the plus strand (G>C on the coding strand, the complement: FBN2 is on the minus strand). VCF-style: chr5-128338061-C-G. GRCh37 (hg19) VCF-style: chr5-127673753-C-G.
Other names: short protein forms E1178D.
Identifiers: ClinVar variation 451979 (VCV000451979.8), dbSNP rs771385579, ClinGen allele CA3395204.

ClinVar aggregate classification (germline): Conflicting classifications of pathogenicity. Review status: criteria provided, conflicting classifications (1 of 4 stars). 2 submissions from 2 submitters: Uncertain significance (1); Likely benign (1). Last evaluated 2025-12-29.

Conditions:
Congenital contractural arachnodactyly (CCA). Also called: Beals-Hecht syndrome; Arthrogryposis, distal, type 9; BEALS SYNDROME. Identifiers: Orphanet 115, MedGen C0220668, MONDO:0007363, OMIM 121050.

Allele frequency attached by ClinVar (database versions not stated): TOPMed below 0.00001; ExAC 0.00001; gnomAD exomes 0.00001.
gnomAD v4.1: 3 of 1,613,826 alleles (0.00019%); highest among the groups gnomAD compares: Admixed American, 0.0017%; no homozygotes.

Submissions (2):

Labcorp Genetics (formerly Invitae), Labcorp
Classification: Likely benign for Congenital contractural arachnodactyly. Last evaluated: 2025-12-29. Review status: criteria provided, single submitter. Criteria: Invitae Variant Classification Sherloc (09022015). Collection method: clinical testing. Allele origin: germline.

GeneDx
Classification: Uncertain significance. Last evaluated: 2021-02-10. Review status: criteria provided, single submitter. Criteria: GeneDx Variant Classification Process June 2021. Collection method: clinical testing. Allele origin: germline. Affected: yes.
Comment: Has not been previously published as pathogenic or benign to our knowledge; Not observed at a significant frequency in large population cohorts (Lek et al., 2016); In silico analysis supports that this missense variant does not alter protein structure/function; Although located in a calcium-binding EGF-like domain of the FBN2 gene, it does not affect a cysteine residue within this domain; cysteine substitutions in the calcium-binding EGF-like domains represent the majority of pathogenic missense changes associated with FBN2-related disorders (Frederic et al., 2009).